The following is an entry in ClinVar:

NM_000097.7(CPOX):c.1009A>G (p.Ile337Val)

Gene: CPOX (coproporphyrinogen oxidase; minus strand). Cytogenetic location: 3q11.2.
Variant type: single nucleotide variant.
Coding change: c.1009A>G on transcript NM_000097.7 (MANE Select); coding-DNA position 1009, A replaced by G.
Protein change: p.Ile337Val; replaces isoleucine 337 with valine.
Molecular consequence: missense variant.
Genome position (GRCh38, 1-based): chr3:98,585,604, T>C on the plus strand (A>G on the coding strand, the complement: CPOX is on the minus strand). VCF-style: chr3-98585604-T-C. GRCh37 (hg19) VCF-style: chr3-98304448-T-C.
Other names: c.1009A>G, p.Ile337Val (LRG_1077t1); short protein forms I337V.
Identifiers: ClinVar variation 650106 (VCV000650106.6), dbSNP rs751038412, ClinGen allele CA2511541.

ClinVar aggregate classification (germline): Uncertain significance. Review status: criteria provided, multiple submitters, no conflicts (2 of 4 stars). 2 submissions from 2 submitters: Uncertain significance (2). Last evaluated 2026-01-13.

Conditions:
Inborn genetic diseases. Identifiers: MedGen C0950123, MeSH D030342.

Allele frequency attached by ClinVar (database versions not stated): gnomAD exomes 0.00001 and 0.00003; ExAC 0.00002; gnomAD 0.00003 and 0.00004; TOPMed 0.00005.
gnomAD v4.1: 25 of 1,613,928 alleles (0.0015%); highest among the groups gnomAD compares: Admixed American, 0.023%; no homozygotes.

Submissions (2):

Labcorp Genetics (formerly Invitae), Labcorp
Classification: Uncertain significance. Last evaluated: 2026-01-13. Review status: criteria provided, single submitter. Criteria: Invitae Variant Classification Sherloc (09022015). Collection method: clinical testing. Allele origin: germline.
Comment: This sequence change replaces isoleucine, which is neutral and non-polar, with valine, which is neutral and non-polar, at codon 337 of the CPOX protein (p.Ile337Val). This variant is present in population databases (rs751038412, gnomAD 0.02%). This missense change has been observed in individual(s) with coproporphyria (internal data). ClinVar contains an entry for this variant (Variation ID: 650106). Invitae Evidence Modeling of protein sequence and biophysical properties (such as structural, functional, and spatial information, amino acid conservation, physicochemical variation, residue mobility, and thermodynamic stability) indicates that this missense variant is not expected to disrupt CPOX protein function with a negative predictive value of 80%. In summary, the available evidence is currently insufficient to determine the role of this variant in disease. Therefore, it has been classified as a Variant of Uncertain Significance.

Ambry Genetics
Classification: Uncertain significance for Inborn genetic diseases. Last evaluated: 2023-10-25. Review status: criteria provided, single submitter. Criteria: Ambry Variant Classification Scheme 2023. Collection method: clinical testing. Allele origin: germline.